The following is an entry in ClinVar:

ClinVar aggregate classification (germline): Uncertain significance (1 of 4 stars; one submission).

Submission:

Labcorp Genetics (formerly Invitae), Labcorp
Classification: Uncertain significance. Last evaluated: 2022-06-08. Review status: criteria provided, single submitter. Criteria: Invitae Variant Classification Sherloc (09022015). Collection method: clinical testing. Allele origin: germline.
Comment: In summary, the available evidence is currently insufficient to determine the role of this variant in disease. Therefore, it has been classified as a Variant of Uncertain Significance. Algorithms developed to predict the effect of missense changes on protein structure and function output the following: SIFT: "Tolerated"; PolyPhen-2: "Benign"; Align-GVGD: "Class C0". The valine amino acid residue is found in multiple mammalian species, which suggests that this missense change does not adversely affect protein function. This variant has not been reported in the literature in individuals affected with BACH2-related conditions. This variant is not present in population databases (gnomAD no frequency). This sequence change replaces methionine, which is neutral and non-polar, with valine, which is neutral and non-polar, at codon 407 of the BACH2 protein (p.Met407Val).

NM_021813.4(BACH2):c.1219A>G (p.Met407Val)

Gene: BACH2 (BACH transcriptional regulator 2; minus strand). Cytogenetic location: 6q15.
Variant type: single nucleotide variant.
Coding change: c.1219A>G on transcript NM_021813.4 (MANE Select); coding-DNA position 1219, A replaced by G.
Protein change: p.Met407Val; replaces methionine 407 with valine.
Molecular consequence: missense variant.
Genome position (GRCh38, 1-based): chr6:89,950,887, T>C on the plus strand (A>G on the coding strand, the complement: BACH2 is on the minus strand). VCF-style: chr6-89950887-T-C. GRCh37 (hg19) VCF-style: chr6-90660606-T-C.
Other names: c.1219A>G, p.Met407Val (NM_001170794.2); short protein forms M407V.
Identifiers: ClinVar variation 2003476 (VCV002003476.4), dbSNP rs149181857, ClinGen allele CA365071301.